The following is an entry in ClinVar:

NM_000257.4(MYH7):c.4660G>A (p.Glu1554Lys)

Genes: MHRT (myosin heavy chain associated RNA transcript; plus strand), MYH7 (myosin heavy chain 7; minus strand), LOC126861897 (BRD4-independent group 4 enhancer GRCh37_chr14:23884455-23885654; plus strand). Cytogenetic location: 14q11.2.
Variant type: single nucleotide variant.
Coding change: c.4660G>A on transcript NM_000257.4 (MANE Select); coding-DNA position 4660, G replaced by A.
Protein change: p.Glu1554Lys; replaces glutamic acid 1554 with lysine.
Molecular consequence: missense variant. On other transcripts: non-coding transcript variant (1).
Genome position (GRCh38, 1-based): chr14:23,416,297, C>T on the plus strand (G>A on the coding strand, the complement: MYH7 is on the minus strand). VCF-style: chr14-23416297-C-T. GRCh37 (hg19) VCF-style: chr14-23885506-C-T.
Other names: c.4660G>A (NM_000257.2); short protein forms E1554K.
Identifiers: ClinVar variation 578610 (VCV000578610.15), dbSNP rs142694139, ClinGen allele CA389037912.

ClinVar aggregate classification (germline): Conflicting classifications of pathogenicity. Review status: criteria provided, conflicting classifications (1 of 4 stars). 7 submissions from 7 submitters: Likely pathogenic (1); Uncertain significance (6). Last evaluated 2025-11-21.

Conditions:
MYH7-related disorder. Also called: MYH7-related disorders; MYH7-related condition; MYH7-related disease.
Cardiovascular phenotype. Identifiers: MedGen CN230736.
Cardiomyopathy (CMYO). Also called: Cardiomyopathies. Identifiers: Orphanet 167848, MedGen C0878544, MONDO:0004994, HP:0001638. Inheritance: Various modes of inheritance.
Hypertrophic cardiomyopathy. Also called: HYPERTROPHIC MYOCARDIOPATHY. Identifiers: Orphanet 217569, MedGen C0007194, MeSH D002312, MONDO:0005045, HP:0001639.

Submissions (7):

Labcorp Genetics (formerly Invitae), Labcorp
Classification: Uncertain significance for Hypertrophic cardiomyopathy. Last evaluated: 2025-11-21. Review status: criteria provided, single submitter. Criteria: Invitae Variant Classification Sherloc (09022015). Collection method: clinical testing. Allele origin: germline.
Comment: This sequence change replaces glutamic acid, which is acidic and polar, with lysine, which is basic and polar, at codon 1554 of the MYH7 protein (p.Glu1554Lys). This variant is not present in population databases (gnomAD no frequency). This missense change has been observed in individual(s) with hypertrophic cardiomyopathy (PMID: 27532257, 37652022). ClinVar contains an entry for this variant (Variation ID: 578610). Invitae Evidence Modeling of protein sequence and biophysical properties (such as structural, functional, and spatial information, amino acid conservation, physicochemical variation, residue mobility, and thermodynamic stability) indicates that this missense variant is expected to disrupt MYH7 protein function with a positive predictive value of 95%. In summary, the available evidence is currently insufficient to determine the role of this variant in disease. Therefore, it has been classified as a Variant of Uncertain Significance.

All of Us Research Program, National Institutes of Health
Classification: Uncertain significance for Cardiomyopathy. Last evaluated: 2023-10-06. Review status: criteria provided, single submitter. Criteria: ACMG Guidelines, 2015. Collection method: clinical testing. Allele origin: germline. Inheritance: Autosomal dominant inheritance. Observed: 2 variant alleles, 2 heterozygotes.
Comment: This missense variant replaces glutamic acid with lysine at codon 1554 of the MYH7 protein. Computational prediction suggests that this variant may have a deleterious impact on protein structure and function (internally defined REVEL score threshold >= 0.7, PMID: 27666373). To our knowledge, functional studies have not been reported for this variant. This variant has been reported in an individual affected with hypertrophic cardiomyopathy (PMID: 27532257). This variant has not been identified in the general population by the Genome Aggregation Database (gnomAD). The available evidence is insufficient to determine the role of this variant in disease conclusively. Therefore, this variant is classified as a Variant of Uncertain Significance.

This study involves interpretation of variants in research participants for the purpose of population health screening. Participant phenotype was not available at the time of variant classification. Additional details can be found in publication PMID: 35346344, PMCID: PMC8962531

GeneDx
Classification: Uncertain significance. Last evaluated: 2023-07-13. Review status: criteria provided, single submitter. Criteria: GeneDx Variant Classification Process June 2021. Collection method: clinical testing. Allele origin: germline. Affected: yes.
Comment: Not observed at significant frequency in large population cohorts (gnomAD); In silico analysis supports that this missense variant has a deleterious effect on protein structure/function; Identified in a patient with cardiomyopathy (Walsh et al., 2017); This variant is associated with the following publications: (PMID: DaneshparvarN2021[Article], 34209926, 27704041, 27532257, 34542152)

Genetics and Molecular Pathology, SA Pathology
Classification: Uncertain significance for Hypertrophic cardiomyopathy. Last evaluated: 2023-06-08. Review status: criteria provided, single submitter. Criteria: ACMG Guidelines, 2015. Collection method: clinical testing. Allele origin: germline. Affected: yes.
Comment: The MYH7 c.4660G>A variant is classified as VUS (PM2, PS4_Supporting, PP3) The MYH7 c.4660G>A variant is a single nucleotide change in exon 34/40 of the MYH7 gene, which is predicted to change the amino acid glutamic acid at position 1554 in the protein, to lysine. The variant has been reported in 3 probands with a clinical presentation of hypertrophic cardiomyopathy (PMID#27532257, 34542152)(PS4_Supporting) and is absent from population databases (PM2). Computational predictions support a deleterious effect on the gene or gene product (PP3). The variant has been reported in dbSNP (rs142694139), in HGMD as ?disease causing (CM1616732) and is reported as uncertain significance by other diagnostic laboratories (ClinVar Variation ID: 578610).

Ambry Genetics
Classification: Uncertain significance for Cardiovascular phenotype. Last evaluated: 2023-06-05. Review status: criteria provided, single submitter. Criteria: Ambry Variant Classification Scheme 2023. Collection method: clinical testing. Allele origin: germline.
Comment: The p.E1554K variant (also known as c.4660G>A), located in coding exon 32 of the MYH7 gene, results from a G to A substitution at nucleotide position 4660. The glutamic acid at codon 1554 is replaced by lysine, an amino acid with similar properties. This alteration has been reported in a hypertrophic cardiomyopathy (HCM) cohort; however, clinical details were limited (Walsh R et al. Genet Med, 2017 Feb;19:192-203). This amino acid position is highly conserved in available vertebrate species. In addition, this alteration is predicted to be deleterious by in silico analysis. Since supporting evidence is limited at this time, the clinical significance of this alteration remains unclear.

Color Diagnostics, LLC DBA Color Health
Classification: Uncertain significance for Cardiomyopathy. Last evaluated: 2023-02-15. Review status: criteria provided, single submitter. Criteria: ACMG Guidelines, 2015. Collection method: clinical testing. Allele origin: germline.
Comment: This missense variant replaces glutamic acid with lysine at codon 1554 of the MYH7 protein. Computational prediction suggests that this variant may have a deleterious impact on protein structure and function (internally defined REVEL score threshold >= 0.7, PMID: 27666373). To our knowledge, functional studies have not been reported for this variant. This variant has been reported in an individual affected with hypertrophic cardiomyopathy (PMID: 27532257). This variant has not been identified in the general population by the Genome Aggregation Database (gnomAD). The available evidence is insufficient to determine the role of this variant in disease conclusively. Therefore, this variant is classified as a Variant of Uncertain Significance.

Blueprint Genetics
Classification: Likely pathogenic for MYH7-related disorders. Last evaluated: 2020-08-25. Review status: criteria provided, single submitter. Criteria: ACMG Guidelines, 2015. Collection method: clinical testing. Allele origin: germline. Affected: yes. Observed: 1 variant allele.

Literature cited by the submitters: PubMed 27532257 (cited by 5 submitters); PubMed 37652022 (cited by Labcorp Genetics (formerly Invitae), Labcorp); PubMed 34542152 (cited by Genetics and Molecular Pathology, SA Pathology).